The following is an entry in ClinVar:

NM_004977.3(KCNC3):c.*1205C>G

Gene: KCNC3 (potassium voltage-gated channel subfamily C member 3; minus strand). Cytogenetic location: 19q13.33.
Variant type: single nucleotide variant.
Coding change: c.*1205C>G on transcript NM_004977.3 (MANE Select); 1205 bases downstream of the stop codon, C replaced by G.
Molecular consequence: 3 prime UTR variant. On other transcripts: non-coding transcript variant (1).
Genome position (GRCh38, 1-based): chr19:50,314,910, G>C on the plus strand (C>G on the coding strand, the complement: KCNC3 is on the minus strand). VCF-style: chr19-50314910-G-C. GRCh37 (hg19) VCF-style: chr19-50818167-G-C.
Other names: c.*1205C>G (NM_001372305.1).
Identifiers: ClinVar variation 4280809 (VCV004280809.7).

ClinVar aggregate classification (germline): Likely benign (1 of 4 stars; one submission).

Submission:

CeGaT Center for Human Genetics Tuebingen
Classification: Likely benign. Last evaluated: 2025-09-01. Review status: criteria provided, single submitter. Criteria: CeGaT Center For Human Genetics Tuebingen Variant Classification Criteria Version 2. Collection method: clinical testing. Allele origin: germline. Affected: yes. Observed: 1 variant allele.
Comment: KCNC3: BS1